The following is an entry in ClinVar:

ClinVar aggregate classification (germline): Pathogenic (1 of 4 stars; one submission).

Submission:

Labcorp Genetics (formerly Invitae), Labcorp
Classification: Pathogenic. Last evaluated: 2022-07-05. Review status: criteria provided, single submitter. Criteria: Invitae Variant Classification Sherloc (09022015). Collection method: clinical testing. Allele origin: germline.
Comment: This sequence change creates a premature translational stop signal (p.Leu177Cysfs*14) in the SLC9A1 gene. It is expected to result in an absent or disrupted protein product. Loss-of-function variants in SLC9A1 are known to be pathogenic (PMID: 10199808, 25205112, 30018422). This variant is not present in population databases (gnomAD no frequency). This variant has not been reported in the literature in individuals affected with SLC9A1-related conditions. For these reasons, this variant has been classified as Pathogenic.

Literature cited by the submitters: PubMed 10199808; PubMed 25205112; PubMed 30018422.

NM_003047.5(SLC9A1):c.529del (p.Leu177fs)

Gene: SLC9A1 (solute carrier family 9 member A1; minus strand). Cytogenetic location: 1p36.11.
Variant type: Deletion.
Coding change: c.529del on transcript NM_003047.5 (MANE Select); coding-DNA position 529, one base deleted (C; older notation c.529delC).
Protein change: p.Leu177fs; shifts the reading frame from leucine 177.
Molecular consequence: frameshift variant.
Genome position (GRCh38, 1-based): chr1:27,114,110, G deleted on the plus strand (C on the coding strand, the reverse complement: SLC9A1 is on the minus strand); the first of 2 consecutive G bases (chr1:27,114,110-27,114,111); deleting either gives the same sequence. VCF-style (leftmost placement, unchanged base first): chr1-27114109-AG-A. GRCh37 (hg19) VCF-style: chr1-27440600-AG-A.
Other names: short protein forms L177fs.
Identifiers: ClinVar variation 2170523 (VCV002170523.1), dbSNP rs2523152103, ClinGen allele CA2580062658.
Genomic context (GRCh38, chr1:27,114,109, plus strand): 5'-GTGCCCACCACGGCAAAGATCAGGATGGTGCCCAGGTTTTCTGTGAACTGCCGCAGTGGC[AG>A]GAAGTAGCCCGCATCCAGGATGATGGGCGGCAGCAGGAAGAGGAAGAAGACGTCGGACTG-3'